The following is an entry in ClinVar:

NM_004055.5(CAPN5):c.1697G>T (p.Gly566Val)

Gene: CAPN5 (calpain 5; plus strand). Cytogenetic location: 11q13.5.
Variant type: single nucleotide variant.
Coding change: c.1697G>T on transcript NM_004055.5 (MANE Select); coding-DNA position 1697, G replaced by T.
Protein change: p.Gly566Val; replaces glycine 566 with valine.
Molecular consequence: missense variant. On other transcripts: non-coding transcript variant (1).
Genome position (GRCh38, 1-based): chr11:77,122,669, G>T. VCF-style: chr11-77122669-G-T. GRCh37 (hg19) VCF-style: chr11-76833715-G-T.
Other names: c.1817G>T, p.Gly606Val (NM_001425321.1); c.1697G>T, p.Gly566Val (NM_001425322.1); c.1565G>T, p.Gly522Val (NM_001425323.1); short protein forms G566V, G606V, G522V.
Identifiers: ClinVar variation 4987128 (VCV004987128.1).

ClinVar aggregate classification (germline): Uncertain significance (1 of 4 stars; one submission).

Conditions:
CAPN5-related disorder. Also called: CAPN5-related condition.

gnomAD v4.1: 15 of 1,613,822 alleles (0.00093%); highest among the groups gnomAD compares: African/African-American, 0.0027%; no homozygotes.

Submission:

PreventionGenetics, part of Exact Sciences
Classification: Uncertain significance for CAPN5-related condition. Last evaluated: 2026-06-02. Review status: criteria provided, single submitter. Criteria: ACMG Guidelines, 2015. Collection method: clinical testing. Allele origin: germline.
Comment: The CAPN5 c.1697G>T variant is predicted to result in the amino acid substitution p.Gly566Val. To our knowledge, this variant has not been reported in the literature. This variant is present in 0.0040% of alleles in individuals of African descent in gnomAD. At this time, the clinical significance of this variant is uncertain due to the absence of conclusive functional and genetic evidence.